The following is an entry in ClinVar:

NM_001161352.2(KCNMA1):c.203C>A (p.Ala68Glu)

Gene: KCNMA1 (potassium calcium-activated channel subfamily M alpha 1; minus strand). Cytogenetic location: 10q22.3.
Variant type: single nucleotide variant.
Coding change: c.203C>A on transcript NM_001161352.2 (MANE Select); coding-DNA position 203, C replaced by A.
Protein change: p.Ala68Glu; replaces alanine 68 with glutamic acid.
Molecular consequence: missense variant.
Genome position (GRCh38, 1-based): chr10:77,637,440, G>T on the plus strand (C>A on the coding strand, the complement: KCNMA1 is on the minus strand). VCF-style: chr10-77637440-G-T. GRCh37 (hg19) VCF-style: chr10-79397198-G-T.
Other names: c.203C>A, p.Ala68Glu (NM_001014797.3, NM_001161353.2, NM_001271518.2 and 15 more transcripts); short protein forms A68E.
Identifiers: ClinVar variation 4729187 (VCV004729187.1).

ClinVar aggregate classification (germline): Uncertain significance (1 of 4 stars; one submission).

Conditions:
Generalized epilepsy-paroxysmal dyskinesia syndrome (PNKD3). Also called: Generalized epilepsy and paroxysmal dyskinesia; Paroxysmal nonkinesigenic dyskinesia, 3, with or without generalized epilepsy. Identifiers: Orphanet 79137, MedGen C5574945, MONDO:0012276, OMIM 609446.

Submission:

Labcorp Genetics (formerly Invitae), Labcorp
Classification: Uncertain significance for Generalized epilepsy-paroxysmal dyskinesia syndrome. Last evaluated: 2025-10-14. Review status: criteria provided, single submitter. Criteria: Invitae Variant Classification Sherloc (09022015). Collection method: clinical testing. Allele origin: germline.
Comment: This sequence change replaces alanine, which is neutral and non-polar, with glutamic acid, which is acidic and polar, at codon 68 of the KCNMA1 protein (p.Ala68Glu). This variant is not present in population databases (gnomAD no frequency). This variant has not been reported in the literature in individuals affected with KCNMA1-related conditions. An algorithm developed to predict the effect of missense changes on protein structure and function (PolyPhen-2) suggests that this variant is likely to be tolerated. In summary, the available evidence is currently insufficient to determine the role of this variant in disease. Therefore, it has been classified as a Variant of Uncertain Significance.